The following is an entry in ClinVar:

NM_001939.3(DRP2):c.1441A>T (p.Asn481Tyr)

Gene: DRP2 (dystrophin related protein 2; plus strand). Cytogenetic location: Xq22.1.
Variant type: single nucleotide variant.
Coding change: c.1441A>T on transcript NM_001939.3 (MANE Select); coding-DNA position 1441, A replaced by T.
Protein change: p.Asn481Tyr; replaces asparagine 481 with tyrosine.
Molecular consequence: missense variant.
Genome position (GRCh38, 1-based): chrX:101,248,277, A>T. VCF-style: chrX-101248277-A-T. GRCh37 (hg19) VCF-style: chrX-100503266-A-T.
Other names: c.1207A>T, p.Asn403Tyr (NM_001171184.2); short protein forms N481Y, N403Y.
Identifiers: ClinVar variation 2855075 (VCV002855075.3), dbSNP rs2520278094, ClinGen allele CA413926751.

ClinVar aggregate classification (germline): Uncertain significance (1 of 4 stars; one submission).

Submission:

Labcorp Genetics (formerly Invitae), Labcorp
Classification: Uncertain significance. Last evaluated: 2023-04-11. Review status: criteria provided, single submitter. Criteria: Invitae Variant Classification Sherloc (09022015). Collection method: clinical testing. Allele origin: germline.
Comment: This sequence change replaces asparagine, which is neutral and polar, with tyrosine, which is neutral and polar, at codon 481 of the DRP2 protein (p.Asn481Tyr). In summary, the available evidence is currently insufficient to determine the role of this variant in disease. Therefore, it has been classified as a Variant of Uncertain Significance. Advanced modeling of protein sequence and biophysical properties (such as structural, functional, and spatial information, amino acid conservation, physicochemical variation, residue mobility, and thermodynamic stability) has been performed at Invitae for this missense variant, however the output from this modeling did not meet the statistical confidence thresholds required to predict the impact of this variant on DRP2 protein function. This variant has not been reported in the literature in individuals affected with DRP2-related conditions. This variant is not present in population databases (gnomAD no frequency).